The following is an entry in ClinVar:

ClinVar aggregate classification (germline): Uncertain significance (1 of 4 stars; one submission).

Allele frequency attached by ClinVar (database versions not stated): gnomAD exomes below 0.00001.
gnomAD v4.1: 6 of 1,613,160 alleles (0.00037%); highest among the groups gnomAD compares: East Asian, 0.013%; no homozygotes.

Submission:

Labcorp Genetics (formerly Invitae), Labcorp
Classification: Uncertain significance. Last evaluated: 2023-08-04. Review status: criteria provided, single submitter. Criteria: Invitae Variant Classification Sherloc (09022015). Collection method: clinical testing. Allele origin: germline.
Comment: This variant has not been reported in the literature in individuals affected with ADAMTS17-related conditions. This variant is not present in population databases (gnomAD no frequency). This sequence change replaces histidine with asparagine at codon 350 of the ADAMTS17 protein (p.His350Asn). The histidine residue is moderately conserved and there is a small physicochemical difference between histidine and asparagine. ClinVar contains an entry for this variant (Variation ID: 1466221). In summary, the available evidence is currently insufficient to determine the role of this variant in disease. Therefore, it has been classified as a Variant of Uncertain Significance. An algorithm developed to predict the effect of missense changes on protein structure and function (PolyPhen-2) suggests that this variant is likely to be disruptive.

NM_139057.4(ADAMTS17):c.1048C>A (p.His350Asn)

Gene: ADAMTS17 (ADAM metallopeptidase with thrombospondin type 1 motif 17; minus strand). Cytogenetic location: 15q26.3.
Variant type: single nucleotide variant.
Coding change: c.1048C>A on transcript NM_139057.4 (MANE Select); coding-DNA position 1048, C replaced by A.
Protein change: p.His350Asn; replaces histidine 350 with asparagine.
Molecular consequence: missense variant.
Genome position (GRCh38, 1-based): chr15:100,254,163, G>T on the plus strand (C>A on the coding strand, the complement: ADAMTS17 is on the minus strand). VCF-style: chr15-100254163-G-T. GRCh37 (hg19) VCF-style: chr15-100794368-G-T.
Other names: short protein forms H350N.
Identifiers: ClinVar variation 1466221 (VCV001466221.8), dbSNP rs377540510, ClinGen allele CA393937598.